The following is an entry in ClinVar:

NM_016169.4(SUFU):c.1294C>T (p.Gln432Ter)

Gene: SUFU (SUFU negative regulator of hedgehog signaling; plus strand). Cytogenetic location: 10q24.32.
Variant type: single nucleotide variant.
Coding change: c.1294C>T on transcript NM_016169.4 (MANE Select); coding-DNA position 1294, C replaced by T.
Protein change: p.Gln432Ter; replaces glutamine 432 with a stop codon.
Molecular consequence: nonsense.
Genome position (GRCh38, 1-based): chr10:102,617,426, C>T. VCF-style: chr10-102617426-C-T. GRCh37 (hg19) VCF-style: chr10-104377183-C-T.
Other names: c.1294C>T, p.Gln432Ter (NM_001178133.2); short protein forms Q432*.
Identifiers: ClinVar variation 3754927 (VCV003754927.2).

ClinVar aggregate classification (germline): Pathogenic (1 of 4 stars; one submission).

Conditions:
Gorlin syndrome. Also called: Nevoid Basal Cell Carcinoma Syndrome; Basal cell nevus syndrome. Identifiers: Orphanet 377, MedGen C0004779, MONDO:0007187.
Medulloblastoma (MDB). Also called: Medulloblastoma, somatic; MEDULLOBLASTOMA PREDISPOSITION SYNDROME. Identifiers: Orphanet 616, MedGen C0025149, MeSH D008527, MONDO:0007959, OMIM 155255, HP:0002885.

Submission:

Labcorp Genetics (formerly Invitae), Labcorp
Classification: Pathogenic for Gorlin syndrome; Medulloblastoma. Last evaluated: 2024-02-25. Review status: criteria provided, single submitter. Criteria: Invitae Variant Classification Sherloc (09022015). Collection method: clinical testing. Allele origin: germline.
Comment: This sequence change creates a premature translational stop signal (p.Gln432*) in the SUFU gene. It is expected to result in an absent or disrupted protein product. Loss-of-function variants in SUFU are known to be pathogenic (PMID: 22508808, 25403219, 33024317). This variant is not present in population databases (gnomAD no frequency). This premature translational stop signal has been observed in individual(s) with clinical features of Joubert syndrome (PMID: 34675124). Algorithms developed to predict the effect of sequence changes on RNA splicing suggest that this variant may disrupt the consensus splice site. For these reasons, this variant has been classified as Pathogenic.

Literature cited by the submitters: PubMed 22508808; PubMed 25403219; PubMed 33024317; PubMed 34675124.